The following is an entry in ClinVar:

NM_014855.3(AP5Z1):c.950dup (p.Asp317fs)

Gene: AP5Z1 (adaptor related protein complex 5 subunit zeta 1; plus strand). Cytogenetic location: 7p22.1.
Variant type: Duplication.
Coding change: c.950dup on transcript NM_014855.3 (MANE Select); coding-DNA position 950, one base duplicated (A; older notation c.950dupA).
Protein change: p.Asp317fs; shifts the reading frame from aspartic acid 317.
Molecular consequence: frameshift variant. On other transcripts: non-coding transcript variant (1).
Genome position (GRCh38, 1-based): chr7:4,785,433, A duplicated. VCF-style (leftmost placement, unchanged base first): chr7-4785432-G-GA. GRCh37 (hg19) VCF-style: chr7-4825063-G-GA.
Other names: NC_000007.13:g.4825064dup; NP_055670.1:p.(Asp317GlufsTer93); c.482dup, p.Asp161fs (NM_001364858.1); short protein forms D161fs, D317fs.
Identifiers: ClinVar variation 3693922 (VCV003693922.4).

ClinVar aggregate classification (germline): Pathogenic/Likely pathogenic. Review status: criteria provided, multiple submitters, no conflicts (2 of 4 stars). 3 submissions from 3 submitters: Pathogenic (1); Likely pathogenic (2). Last evaluated 2025-06-15.

Conditions:
AP5Z1-related disorder. Also called: AP5Z1-related condition.
Hereditary spastic paraplegia 48. Also called: Spastic paraplegia 48; SPASTIC PARAPLEGIA 48, AUTOSOMAL RECESSIVE. Identifiers: Orphanet 306511, MedGen C3150901, MONDO:0013342, OMIM 613647.
Macular dystrophy with or without extraocular features.

Submissions (3):

Labcorp Genetics (formerly Invitae), Labcorp
Classification: Pathogenic for Hereditary spastic paraplegia 48. Last evaluated: 2025-06-15. Review status: criteria provided, single submitter. Criteria: Invitae Variant Classification Sherloc (09022015). Collection method: clinical testing. Allele origin: germline.
Comment: This sequence change creates a premature translational stop signal (p.Asp317Glufs*93) in the AP5Z1 gene. It is expected to result in an absent or disrupted protein product. Loss-of-function variants in AP5Z1 are known to be pathogenic (PMID: 20613862, 27606357). This variant is present in population databases (rs778906628, gnomAD 0.04%). This premature translational stop signal has been observed in individual(s) with macular dystrophy (PMID: 40081374). ClinVar contains an entry for this variant (Variation ID: 3693922). For these reasons, this variant has been classified as Pathogenic.

Ophthalmic Genetics Group, Institute of Molecular and Clinical Ophthalmology Basel
Classification: Likely pathogenic for Macular dystrophy with or without extraocular features. Last evaluated: 2024-12-17. Review status: criteria provided, single submitter. Criteria: ACMG Guidelines, 2015. Collection method: research. Allele origin: germline. Affected: yes. Observed: 1 variant allele.
Comment: This frameshift insertion introduces a premature termination codon and likely results in nonsense-mediated mRNA decay. This variant has a low population frequency based on gnomAD v2.1.1. Therefore, it was classified as Likely pathogenic based on ACMG criteria: PVS1_vstrong, PM2_mod.

Blueprint Genetics
Classification: Likely pathogenic for AP5Z1-related disorders. Last evaluated: 2021-02-11. Review status: criteria provided, single submitter. Criteria: ACMG Guidelines, 2015. Collection method: clinical testing. Allele origin: germline. Affected: yes. Observed: 1 variant allele.

Literature cited by the submitters: PubMed 20613862 (cited by Labcorp Genetics (formerly Invitae), Labcorp); PubMed 27606357 (cited by Labcorp Genetics (formerly Invitae), Labcorp); PubMed 40081374 (cited by Labcorp Genetics (formerly Invitae), Labcorp and Ophthalmic Genetics Group, Institute of Molecular and Clinical Ophthalmology Basel).